The following is an entry in ClinVar:

NM_001367916.1(MAGT1):c.17G>A (p.Arg6Gln)

Genes: MAGT1 (magnesium transporter 1; minus strand), LOC130068460 (ATAC-STARR-seq lymphoblastoid active region 29781; plus strand). Cytogenetic location: Xq21.1.
Variant type: single nucleotide variant.
Coding change: c.17G>A on transcript NM_001367916.1 (MANE Select); coding-DNA position 17, G replaced by A.
Protein change: p.Arg6Gln; replaces arginine 6 with glutamine.
Molecular consequence: missense variant.
Genome position (GRCh38, 1-based): chrX:77,895,394, C>T on the plus strand (G>A on the coding strand, the complement: MAGT1 is on the minus strand). VCF-style: chrX-77895394-C-T. GRCh37 (hg19) VCF-style: chrX-77150891-C-T.
Other names: c.113G>A, p.Arg38Gln (NM_032121.5); short protein forms R6Q, R38Q.
Identifiers: ClinVar variation 1899246 (VCV001899246.5), dbSNP rs137932369, ClinGen allele CA413714251.

ClinVar aggregate classification (germline): Uncertain significance (1 of 4 stars; one submission).

Conditions:
X-linked immunodeficiency with magnesium defect, Epstein-Barr virus infection and neoplasia. Identifiers: Orphanet 317476, MedGen C3275445, MONDO:0010455, OMIM 300853.

gnomAD v4.1: 1 of 1,211,960 alleles (0.000083%); highest among the groups gnomAD compares: Middle Eastern, 0.023%; no homozygotes.

Submission:

Labcorp Genetics (formerly Invitae), Labcorp
Classification: Uncertain significance for X-linked immunodeficiency with magnesium defect, Epstein-Barr virus infection and neoplasia. Last evaluated: 2025-12-09. Review status: criteria provided, single submitter. Criteria: Invitae Variant Classification Sherloc (09022015). Collection method: clinical testing. Allele origin: germline.
Comment: This sequence change replaces arginine, which is basic and polar, with glutamine, which is neutral and polar, at codon 38 of the MAGT1 protein (p.Arg38Gln). This variant is not present in population databases (gnomAD no frequency). This variant has not been reported in the literature in individuals affected with MAGT1-related conditions. ClinVar contains an entry for this variant (Variation ID: 1899246). An algorithm developed to predict the effect of missense changes on protein structure and function (PolyPhen-2) suggests that this variant is likely to be tolerated. In summary, the available evidence is currently insufficient to determine the role of this variant in disease. Therefore, it has been classified as a Variant of Uncertain Significance.